The following is an entry in ClinVar:

NM_004309.6(ARHGDIA):c.*179C>G

Gene: ARHGDIA (Rho GDP dissociation inhibitor alpha; minus strand). Cytogenetic location: 17q25.3.
Variant type: single nucleotide variant.
Coding change: c.*179C>G on transcript NM_004309.6 (MANE Select); 179 bases downstream of the stop codon, C replaced by G.
Molecular consequence: 3 prime UTR variant. On other transcripts: missense variant (1), non-coding transcript variant (1), intron variant (2).
Genome position (GRCh38, 1-based): chr17:81,868,697, G>C on the plus strand (C>G on the coding strand, the complement: ARHGDIA is on the minus strand). VCF-style: chr17-81868697-G-C. GRCh37 (hg19) VCF-style: chr17-79826573-G-C.
Other names: c.*179C>G (NM_001185077.3, NM_001185078.3, NM_001301243.2); c.682C>G, p.Pro228Ala (NM_001301242.2); c.503-113C>G (NM_001301240.2, NM_001301241.2); short protein forms P228A.
Identifiers: ClinVar variation 4974544 (VCV004974544.1).

ClinVar aggregate classification (germline): Uncertain significance (1 of 4 stars; one submission).

Conditions:
Nephrotic syndrome, type 8 (NPHS8). Identifiers: Orphanet 656, MedGen C3808953, MONDO:0014099, OMIM 615244.

Submission:

Genetics Laboratory, Department of Biology, Semnan University
Classification: Uncertain significance for Nephrotic syndrome, type 8. Last evaluated: 2021-12-24. Review status: criteria provided, single submitter. Criteria: ACMG Guidelines, 2015. Collection method: research. Allele origin: germline. Inheritance: Autosomal recessive inheritance. Affected: no. Observed: 1 variant allele, 1 heterozygote.
Comment: The identified variant leads to the substitution of Prolin 228 with Alanine (P228A) in the ARHGDIA protein. Hence, this substitution could alter the amino acid sequence and could leads to a decreased function of mutated protein.

Literature cited by the submitters: DOI 10.1172/JCI69134.